The following is an entry in ClinVar:

ClinVar aggregate classification (germline): Likely benign (1 of 4 stars; one submission).

Allele frequency attached by ClinVar (database versions not stated): 1000 Genomes Project 0.01498; 1000 Genomes Project 30x 0.01530; TOPMed 0.02246; gnomAD 0.02513.
gnomAD v4.1: 3,784 of 152,232 alleles (2.5%); highest among the groups gnomAD compares: Non-Finnish European, 3.3%; 82 homozygotes.

Submission:

GeneDx
Classification: Likely benign. Last evaluated: 2018-06-16. Review status: criteria provided, single submitter. Criteria: GeneDx Variant Classification (06012015). Collection method: clinical testing. Allele origin: germline. Affected: yes.
Comment: This variant is considered likely benign or benign based on one or more of the following criteria: it is a conservative change, it occurs at a poorly conserved position in the protein, it is predicted to be benign by multiple in silico algorithms, and/or has population frequency not consistent with disease.

NM_182961.4(SYNE1):c.2395-304G>A

Gene: SYNE1 (spectrin repeat containing nuclear envelope protein 1; minus strand). Cytogenetic location: 6q25.2.
Variant type: single nucleotide variant.
Coding change: c.2395-304G>A on transcript NM_182961.4 (MANE Select); 304 bases into the intron before coding-DNA position 2395, G replaced by A.
Molecular consequence: intron variant.
Genome position (GRCh38, 1-based): chr6:152,459,234, C>T on the plus strand (G>A on the coding strand, the complement: SYNE1 is on the minus strand). VCF-style: chr6-152459234-C-T. GRCh37 (hg19) VCF-style: chr6-152780369-C-T.
Other names: c.2416-304G>A (NM_033071.5).
Identifiers: ClinVar variation 673432 (VCV000673432.1), dbSNP rs17082717, ClinGen allele CA150202544.
Genomic context (GRCh38, chr6:152,459,234, plus strand): 5'-TCGTCCATCTGGATAGCACTTTCTCATCTAAATGATTGTTTTTAGTGAGCCAGATGGCAT[C>T]AAATTATACTTCATAAACCATGCAACTCATTTTCACTTTGGCCTTGAAATCTGACCTAAG-3'